The following is an entry in ClinVar:

NM_198576.4(AGRN):c.2650C>T (p.Arg884Cys)

Gene: AGRN (agrin; plus strand). Cytogenetic location: 1p36.33.
Variant type: single nucleotide variant.
Coding change: c.2650C>T on transcript NM_198576.4 (MANE Select); coding-DNA position 2650, C replaced by T.
Protein change: p.Arg884Cys; replaces arginine 884 with cysteine.
Molecular consequence: missense variant.
Genome position (GRCh38, 1-based): chr1:1,045,846, C>T. VCF-style: chr1-1045846-C-T. GRCh37 (hg19) VCF-style: chr1-981226-C-T.
Other names: c.2650C>T, p.Arg884Cys (NM_001305275.2); c.2335C>T, p.Arg779Cys (NM_001364727.2); short protein forms R884C, R779C.
Identifiers: ClinVar variation 390809 (VCV000390809.10), dbSNP rs539990009, ClinGen allele CA508727.
Genomic context (GRCh38, chr1:1,045,846, plus strand): 5'-GGGCTGTGCTCGTGTAAGCCCGGGGTGGCTGGACCCAAGTGTGGGCAGTGTCCAGACGGC[C>T]GTGCCCTGGGCCCCGCGGGCTGTGAAGCTGGTGAGTGAGGGCCAGCGCTACCCTGGGGCT-3'
Protein context (NP_940978.2, residues 874-894): GPKCGQCPDG[Arg884Cys]ALGPAGCEAD

ClinVar aggregate classification (germline): Uncertain significance. Review status: criteria provided, multiple submitters, no conflicts (2 of 4 stars). 3 submissions from 3 submitters: Uncertain significance (3). Last evaluated 2025-01-30.

Conditions:
Inborn genetic diseases. Identifiers: MedGen C0950123, MeSH D030342.
Congenital myasthenic syndrome 8. Also called: Myasthenic syndrome, congenital, 8, with pre- and postsynaptic defects; MYASTHENIC SYNDROME, CONGENITAL, DUE TO AGRIN DEFICIENCY. Identifiers: Orphanet 590, MedGen C3808739, MONDO:0014052, OMIM 615120.

Submissions (3):

Ambry Genetics
Classification: Uncertain significance for Inborn genetic diseases. Last evaluated: 2025-01-30. Review status: criteria provided, single submitter. Criteria: Ambry Variant Classification Scheme 2023. Collection method: clinical testing. Allele origin: germline.

Labcorp Genetics (formerly Invitae), Labcorp
Classification: Uncertain significance for Congenital myasthenic syndrome 8. Last evaluated: 2022-11-08. Review status: criteria provided, single submitter. Criteria: Invitae Variant Classification Sherloc (09022015). Collection method: clinical testing. Allele origin: germline.
Comment: This sequence change replaces arginine, which is basic and polar, with cysteine, which is neutral and slightly polar, at codon 884 of the AGRN protein (p.Arg884Cys). This variant is present in population databases (rs539990009, gnomAD 0.006%). This variant has not been reported in the literature in individuals affected with AGRN-related conditions. ClinVar contains an entry for this variant (Variation ID: 390809). Algorithms developed to predict the effect of missense changes on protein structure and function are either unavailable or do not agree on the potential impact of this missense change (SIFT: "Deleterious"; PolyPhen-2: "Possibly Damaging"; Align-GVGD: "Class C0"). In summary, the available evidence is currently insufficient to determine the role of this variant in disease. Therefore, it has been classified as a Variant of Uncertain Significance.

GeneDx
Classification: Uncertain significance. Last evaluated: 2016-11-18. Review status: criteria provided, single submitter. Criteria: GeneDx Variant Classification (06012015). Collection method: clinical testing. Allele origin: germline. Affected: yes.
Comment: The R884C variant in the AGRN gene has not been reported previously as a pathogenic variant, nor as a benign variant, to our knowledge. The R884C variant was not observed in approximately 6500 individuals of European and African American ancestry in the NHLBI Exome Sequencing Project, indicating it is not a common benign variant in these populations. The R884C variant is a non-conservative amino acid substitution, which is likely to impact secondary protein structure as these residues differ in polarity, charge, size and/or other properties. This substitution occurs at a position that is not conserved. In silico analysis predicts this variant is probably damaging to the protein structure/function. We interpret R884C as a variant of uncertain significance.